The following is an entry in ClinVar:

ClinVar aggregate classification (germline): Uncertain significance (1 of 4 stars; one submission).

Conditions:
Cowden syndrome 6 (CWS6). Identifiers: Orphanet 201, MedGen C3554519, MONDO:0014048, OMIM 615109.

Allele frequency attached by ClinVar (database versions not stated): gnomAD exomes below 0.00001 and 0.00001; ExAC 0.00001; gnomAD 0.00001 and 0.00002; TOPMed 0.00001; ESP Exome Variant Server 0.00008.

Submission:

Labcorp Genetics (formerly Invitae), Labcorp
Classification: Uncertain significance for Cowden syndrome 6. Last evaluated: 2025-07-31. Review status: criteria provided, single submitter. Criteria: Invitae Variant Classification Sherloc (09022015). Collection method: clinical testing. Allele origin: germline.
Comment: This sequence change replaces arginine, which is basic and polar, with histidine, which is basic and polar, at codon 222 of the AKT1 protein (p.Arg222His). This variant is present in population databases (rs369698909, gnomAD 0.007%). This variant has not been reported in the literature in individuals affected with AKT1-related conditions. ClinVar contains an entry for this variant (Variation ID: 950242). An algorithm developed to predict the effect of missense changes on protein structure and function (PolyPhen-2) suggests that this variant is likely to be tolerated. In summary, the available evidence is currently insufficient to determine the role of this variant in disease. Therefore, it has been classified as a Variant of Uncertain Significance.

NM_001382430.1(AKT1):c.665G>A (p.Arg222His)

Gene: AKT1 (AKT serine/threonine kinase 1; minus strand). Cytogenetic location: 14q32.33.
Variant type: single nucleotide variant.
Coding change: c.665G>A on transcript NM_001382430.1 (MANE Select); coding-DNA position 665, G replaced by A.
Protein change: p.Arg222His; replaces arginine 222 with histidine.
Molecular consequence: missense variant.
Genome position (GRCh38, 1-based): chr14:104,773,949, C>T on the plus strand (G>A on the coding strand, the complement: AKT1 is on the minus strand). VCF-style: chr14-104773949-C-T. GRCh37 (hg19) VCF-style: chr14-105240286-C-T.
Other names: c.665G>A, p.Arg222His (NM_001014431.2, NM_001014432.2, NM_001382431.1 and 3 more transcripts); short protein forms R222H.
Identifiers: ClinVar variation 950242 (VCV000950242.9), dbSNP rs369698909, ClinGen allele CA7374699.